The following is an entry in ClinVar:

NM_001354930.2(RIPK1):c.1140C>A (p.Asp380Glu)

Gene: RIPK1 (receptor interacting serine/threonine kinase 1; plus strand). Cytogenetic location: 6p25.2.
Variant type: single nucleotide variant.
Coding change: c.1140C>A on transcript NM_001354930.2 (MANE Select); coding-DNA position 1140, C replaced by A.
Protein change: p.Asp380Glu; replaces aspartic acid 380 with glutamic acid.
Molecular consequence: missense variant.
Genome position (GRCh38, 1-based): chr6:3,105,615, C>A. VCF-style: chr6-3105615-C-A. GRCh37 (hg19) VCF-style: chr6-3105849-C-A.
Other names: c.651C>A, p.Asp217Glu (NM_001317061.3, NM_001354932.2, NM_001354933.2 and 1 more transcripts); c.1002C>A, p.Asp334Glu (NM_001354931.2); c.1140C>A, p.Asp380Glu (NM_003804.6); short protein forms D217E, D380E, D334E.
Identifiers: ClinVar variation 4737795 (VCV004737795.1).

ClinVar aggregate classification (germline): Uncertain significance (1 of 4 stars; one submission).

gnomAD v4.1: 3 of 1,614,012 alleles (0.00019%); highest among the groups gnomAD compares: African/African-American, 0.0027%; no homozygotes.

Submission:

Labcorp Genetics (formerly Invitae), Labcorp
Classification: Uncertain significance. Last evaluated: 2026-01-16. Review status: criteria provided, single submitter. Criteria: Invitae Variant Classification Sherloc (09022015). Collection method: clinical testing. Allele origin: germline.
Comment: This sequence change replaces aspartic acid, which is acidic and polar, with glutamic acid, which is acidic and polar, at codon 380 of the RIPK1 protein (p.Asp380Glu). This variant is present in population databases (rs530868191, gnomAD 0.007%). This variant has not been reported in the literature in individuals affected with RIPK1-related conditions. An algorithm developed to predict the effect of missense changes on protein structure and function outputs the following: PolyPhen-2: "Benign". The glutamic acid amino acid residue is found in multiple mammalian species, which suggests that this missense change does not adversely affect protein function. In summary, the available evidence is currently insufficient to determine the role of this variant in disease. Therefore, it has been classified as a Variant of Uncertain Significance.